The following is an entry in ClinVar:

NM_005204.4(MAP3K8):c.946A>G (p.Thr316Ala)

Gene: MAP3K8 (mitogen-activated protein kinase kinase kinase 8; plus strand). Cytogenetic location: 10p11.23.
Variant type: single nucleotide variant.
Coding change: c.946A>G on transcript NM_005204.4 (MANE Select); coding-DNA position 946, A replaced by G.
Protein change: p.Thr316Ala; replaces threonine 316 with alanine.
Molecular consequence: missense variant.
Genome position (GRCh38, 1-based): chr10:30,458,156, A>G. VCF-style: chr10-30458156-A-G. GRCh37 (hg19) VCF-style: chr10-30747085-A-G.
Other names: c.946A>G, p.Thr316Ala (NM_001244134.1, NM_001320961.2); short protein forms T316A.
Identifiers: ClinVar variation 1489638 (VCV001489638.6), dbSNP rs919957360, ClinGen allele CA205302969.

ClinVar aggregate classification (germline): Uncertain significance (1 of 4 stars; one submission).

Allele frequency attached by ClinVar (database versions not stated): gnomAD exomes below 0.00001.
gnomAD v4.1: 1 of 1,594,832 alleles (0.000063%); no homozygotes.

Submission:

Labcorp Genetics (formerly Invitae), Labcorp
Classification: Uncertain significance. Last evaluated: 2024-04-12. Review status: criteria provided, single submitter. Criteria: Invitae Variant Classification Sherloc (09022015). Collection method: clinical testing. Allele origin: germline.
Comment: This sequence change replaces threonine, which is neutral and polar, with alanine, which is neutral and non-polar, at codon 316 of the MAP3K8 protein (p.Thr316Ala). This variant is present in population databases (no rsID available, gnomAD no frequency). This variant has not been reported in the literature in individuals affected with MAP3K8-related conditions. ClinVar contains an entry for this variant (Variation ID: 1489638). An algorithm developed to predict the effect of missense changes on protein structure and function (PolyPhen-2) suggests that this variant is likely to be disruptive. In summary, the available evidence is currently insufficient to determine the role of this variant in disease. Therefore, it has been classified as a Variant of Uncertain Significance.